The following is an entry in ClinVar:

NM_002775.5(HTRA1):c.646G>A (p.Val216Met)

Gene: HTRA1 (HtrA serine peptidase 1; plus strand). Cytogenetic location: 10q26.13.
Variant type: single nucleotide variant.
Coding change: c.646G>A on transcript NM_002775.5 (MANE Select); coding-DNA position 646, G replaced by A.
Protein change: p.Val216Met; replaces valine 216 with methionine.
Molecular consequence: missense variant.
Genome position (GRCh38, 1-based): chr10:122,489,495, G>A. VCF-style: chr10-122489495-G-A. GRCh37 (hg19) VCF-style: chr10-124249011-G-A.
Other names: short protein forms V216M.
Identifiers: ClinVar variation 2573769 (VCV002573769.2), dbSNP rs761429963, ClinGen allele CA5725889.
Genomic context (GRCh38, chr10:122,489,495, plus strand): 5'-AAACGAGAGGTGCCGGTGGCTAGTGGGTCTGGGTTTATTGTGTCGGAAGATGGACTGATC[G>A]TGACAAATGCCCACGTGGTGACCAACAAGCACCGGGTCAAAGTTGAGCTGAAGAACGGTG-3'
Protein context (NP_002766.1, residues 206-226): GFIVSEDGLI[Val216Met]TNAHVVTNKH

ClinVar aggregate classification (germline): Uncertain significance. Review status: criteria provided, multiple submitters, no conflicts (2 of 4 stars). 2 submissions from 2 submitters: Uncertain significance (2). Last evaluated 2025-03-27.

Allele frequency attached by ClinVar (database versions not stated): gnomAD exomes 0.00001; ExAC 0.00002.

Submissions (2):

Labcorp Genetics (formerly Invitae), Labcorp
Classification: Uncertain significance. Last evaluated: 2025-03-27. Review status: criteria provided, single submitter. Criteria: Invitae Variant Classification Sherloc (09022015). Collection method: clinical testing. Allele origin: germline.
Comment: This sequence change replaces valine, which is neutral and non-polar, with methionine, which is neutral and non-polar, at codon 216 of the HTRA1 protein (p.Val216Met). This variant is present in population databases (rs761429963, gnomAD 0.006%). This missense change has been observed in individual(s) with HTRA1-related conditions (PMID: 30031255). ClinVar contains an entry for this variant (Variation ID: 2573769). Invitae Evidence Modeling of protein sequence and biophysical properties (such as structural, functional, and spatial information, amino acid conservation, physicochemical variation, residue mobility, and thermodynamic stability) indicates that this missense variant is not expected to disrupt HTRA1 protein function with a negative predictive value of 95%. In summary, the available evidence is currently insufficient to determine the role of this variant in disease. Therefore, it has been classified as a Variant of Uncertain Significance.

GeneDx
Classification: Uncertain significance. Last evaluated: 2023-01-18. Review status: criteria provided, single submitter. Criteria: GeneDx Variant Classification Process June 2021. Collection method: clinical testing. Allele origin: germline. Affected: yes.
Comment: In silico analysis supports that this missense variant does not alter protein structure/function; This variant is associated with the following publications: (PMID: 35946346, 30031255)

Literature cited by the submitters: PubMed 30031255 (cited by Labcorp Genetics (formerly Invitae), Labcorp).